The following is an entry in ClinVar:

ClinVar aggregate classification (germline): Uncertain significance. Review status: criteria provided, multiple submitters, no conflicts (2 of 4 stars). 4 submissions from 4 submitters: Uncertain significance (4). Last evaluated 2025-10-16.

Allele frequency attached by ClinVar (database versions not stated): ExAC 0.00004; gnomAD 0.00004; gnomAD exomes 0.00004 and 0.00007; TOPMed 0.00005; ESP Exome Variant Server 0.00015.
gnomAD v4.1: 108 of 1,612,818 alleles (0.0067%); highest among the groups gnomAD compares: Non-Finnish European, 0.0083%; no homozygotes.

Submissions (4):

Dasa
Classification: Uncertain significance. Last evaluated: 2025-10-16. Review status: criteria provided, single submitter. Criteria: DASA Assertion Criteria. Collection method: clinical testing. Allele origin: germline.
Comment: NM_004366.6(CLCN2):c.1529C>T (p.Ala510Val) is a missense variant that results in the substitution of alanine with valine. This variant is rare in population databases. Computational prediction algorithms are consistent with a deleterious effect. The currently available literature and clinical evidence are not sufficient to establish a definitive association between this variant and the reported condition. Therefore, this variant is classified as a variant of uncertain significance.

Labcorp Genetics (formerly Invitae), Labcorp
Classification: Uncertain significance. Last evaluated: 2025-09-23. Review status: criteria provided, single submitter. Criteria: Invitae Variant Classification Sherloc (09022015). Collection method: clinical testing. Allele origin: germline.
Comment: This sequence change replaces alanine, which is neutral and non-polar, with valine, which is neutral and non-polar, at codon 510 of the CLCN2 protein (p.Ala510Val). This variant is present in population databases (rs145746859, gnomAD 0.009%). This missense change has been observed in individual(s) with clinical features of CLCN2-related conditions (PMID: 38173802). ClinVar contains an entry for this variant (Variation ID: 1317227). Invitae Evidence Modeling of protein sequence and biophysical properties (such as structural, functional, and spatial information, amino acid conservation, physicochemical variation, residue mobility, and thermodynamic stability) indicates that this missense variant is expected to disrupt CLCN2 protein function with a positive predictive value of 80%. In summary, the available evidence is currently insufficient to determine the role of this variant in disease. Therefore, it has been classified as a Variant of Uncertain Significance.

Blueprint Genetics
Classification: Uncertain significance. Last evaluated: 2024-11-07. Review status: criteria provided, single submitter. Criteria: ACMG Guidelines, 2015. Collection method: clinical testing. Allele origin: germline.

GeneDx
Classification: Uncertain significance. Last evaluated: 2020-07-09. Review status: criteria provided, single submitter. Criteria: GeneDx Variant Classification Process June 2021. Collection method: clinical testing. Allele origin: germline. Affected: yes.
Comment: In silico analysis supports that this missense variant has a deleterious effect on protein structure/function; Has not been previously published as pathogenic or benign to our knowledge

Literature cited by the submitters: PubMed 38173802 (cited by Labcorp Genetics (formerly Invitae), Labcorp).

NM_004366.6(CLCN2):c.1529C>T (p.Ala510Val)

Gene: CLCN2 (chloride voltage-gated channel 2; minus strand). Cytogenetic location: 3q27.1.
Variant type: single nucleotide variant.
Coding change: c.1529C>T on transcript NM_004366.6 (MANE Select); coding-DNA position 1529, C replaced by T.
Protein change: p.Ala510Val; replaces alanine 510 with valine.
Molecular consequence: missense variant.
Genome position (GRCh38, 1-based): chr3:184,354,293, G>A on the plus strand (C>T on the coding strand, the complement: CLCN2 is on the minus strand). VCF-style: chr3-184354293-G-A. GRCh37 (hg19) VCF-style: chr3-184072081-G-A.
Other names: c.1478C>T, p.Ala493Val (NM_001171087.3); c.1397C>T, p.Ala466Val (NM_001171088.3); c.1529C>T, p.Ala510Val (NM_001171089.3); short protein forms A466V, A493V, A510V.
Identifiers: ClinVar variation 1317227 (VCV001317227.10), dbSNP rs145746859, ClinGen allele CA2734049.
Genomic context (GRCh38, chr3:184,354,293, plus strand): 5'-TGGGCAATCTGGCCTGTGAGCTCGAACACGATCACAGCCGTGGACACTGTGTGTGTCACC[G>A]CTCCTGCCAGCGCAGCTGCCCCTGGGGACAGTCACACTCAGTCTCCTCAGGGTGCCCAGG-3'
Protein context (NP_004357.3, residues 500-520): AVVGAAALAG[Ala510Val]VTHTVSTAVI